The following is an entry in ClinVar:

ClinVar aggregate classification (germline): Uncertain significance (1 of 4 stars; one submission).

gnomAD v4.1: 12 of 1,562,448 alleles (0.00077%); highest among the groups gnomAD compares: Admixed American, 0.016%; no homozygotes.

Submission:

Labcorp Genetics (formerly Invitae), Labcorp
Classification: Uncertain significance. Last evaluated: 2025-08-19. Review status: criteria provided, single submitter. Criteria: Invitae Variant Classification Sherloc (09022015). Collection method: clinical testing. Allele origin: germline.
Comment: This sequence change replaces proline, which is neutral and non-polar, with serine, which is neutral and polar, at codon 791 of the MAST1 protein (p.Pro791Ser). This variant is present in population databases (rs767676816, gnomAD 0.03%). This variant has not been reported in the literature in individuals affected with MAST1-related conditions. ClinVar contains an entry for this variant (Variation ID: 2080689). An algorithm developed to predict the effect of missense changes on protein structure and function (PolyPhen-2) suggests that this variant is likely to be disruptive. In summary, the available evidence is currently insufficient to determine the role of this variant in disease. Therefore, it has been classified as a Variant of Uncertain Significance.

NM_014975.3(MAST1):c.2371C>T (p.Pro791Ser)

Genes: MAST1 (microtubule associated serine/threonine kinase 1; plus strand), LOC112543452 (Sharpr-MPRA regulatory region 6054; plus strand). Cytogenetic location: 19p13.13.
Variant type: single nucleotide variant.
Coding change: c.2371C>T on transcript NM_014975.3 (MANE Select); coding-DNA position 2371, C replaced by T.
Protein change: p.Pro791Ser; replaces proline 791 with serine.
Molecular consequence: missense variant.
Genome position (GRCh38, 1-based): chr19:12,867,782, C>T. VCF-style: chr19-12867782-C-T. GRCh37 (hg19) VCF-style: chr19-12978596-C-T.
Other names: short protein forms P791S.
Identifiers: ClinVar variation 2080689 (VCV002080689.4), dbSNP rs767676816, ClinGen allele CA9233131.